The following is an entry in ClinVar:

NM_022773.4(LMF1):c.1024C>T (p.Arg342Ter)

Gene: LMF1 (lipase maturation factor 1; minus strand). Cytogenetic location: 16p13.3.
Variant type: single nucleotide variant.
Coding change: c.1024C>T on transcript NM_022773.4 (MANE Select); coding-DNA position 1024, C replaced by T.
Protein change: p.Arg342Ter; replaces arginine 342 with a stop codon.
Molecular consequence: nonsense. On other transcripts: non-coding transcript variant (1).
Genome position (GRCh38, 1-based): chr16:871,215, G>A on the plus strand (C>T on the coding strand, the complement: LMF1 is on the minus strand). VCF-style: chr16-871215-G-A. GRCh37 (hg19) VCF-style: chr16-921215-G-A.
Other names: c.373C>T, p.Arg125Ter (NM_001352017.2, NM_001352021.2); c.625C>T, p.Arg209Ter (NM_001352018.2); c.697C>T, p.Arg233Ter (NM_001352019.2); c.1024C>T, p.Arg342Ter (NM_001352020.1); c.1024C>T (NM_022773.3); short protein forms R209*, R342*, R125*, R233*.
Identifiers: ClinVar variation 1769087 (VCV001769087.8), dbSNP rs776584760, ClinGen allele CA7797240.

ClinVar aggregate classification (germline): Conflicting classifications of pathogenicity. Review status: criteria provided, conflicting classifications (1 of 4 stars). 4 submissions from 4 submitters: Pathogenic (2); Likely pathogenic (1); Uncertain significance (1). Last evaluated 2026-07-30.

Conditions:
Cardiovascular phenotype. Identifiers: MedGen CN230736.
LMF1-related disorder. Also called: LMF1-related condition.

Allele frequency attached by ClinVar (database versions not stated): ExAC 0.00003.
gnomAD v4.1: 70 of 1,611,396 alleles (0.0043%); highest among the groups gnomAD compares: East Asian, 0.011%; no homozygotes.

Submissions (4):

Ambry Genetics
Classification: Pathogenic for Cardiovascular phenotype. Last evaluated: 2026-07-30. Review status: criteria provided, single submitter. Criteria: Ambry Variant Classification Scheme 2023. Collection method: clinical testing. Allele origin: germline.
Comment: The p.R342* pathogenic mutation (also known as c.1024C>T), located in coding exon 7 of the LMF1 gene, results from a C to T substitution at nucleotide position 1024. This changes the amino acid from an arginine to a stop codon within coding exon 7. This variant has been identified in the homozygous state and/or in conjunction with other LMF1 variant(s) in individual(s) with features consistent with LMF1-related chylomicronemia syndrome (Bashir B et al. Genet Med Open, 2025 Jul;3:103445). This alteration is expected to result in loss of function by premature protein truncation or nonsense-mediated mRNA decay. As such, this alteration is interpreted as a disease-causing mutation.

Labcorp Genetics (formerly Invitae), Labcorp
Classification: Pathogenic. Last evaluated: 2025-12-28. Review status: criteria provided, single submitter. Criteria: Invitae Variant Classification Sherloc (09022015). Collection method: clinical testing. Allele origin: germline.
Comment: This sequence change creates a premature translational stop signal (p.Arg342*) in the LMF1 gene. It is expected to result in an absent or disrupted protein product. Loss-of-function variants in LMF1 are known to be pathogenic (PMID: 17994020, 19820022, 22239554). This variant is present in population databases (rs776584760, gnomAD 0.02%). This premature translational stop signal has been observed in individual(s) with hypertriglyceridemia (PMID: 30885219). ClinVar contains an entry for this variant (Variation ID: 1769087). For these reasons, this variant has been classified as Pathogenic.

Blueprint Genetics
Classification: Likely pathogenic for LMF1-related disorders. Last evaluated: 2023-07-04. Review status: criteria provided, single submitter. Criteria: ACMG Guidelines, 2015. Collection method: clinical testing. Allele origin: germline. Affected: yes. Observed: 3 variant alleles.

GeneDx
Classification: Uncertain significance. Last evaluated: 2022-09-19. Review status: criteria provided, single submitter. Criteria: GeneDx Variant Classification Process June 2021. Collection method: clinical testing. Allele origin: germline. Affected: yes.
Comment: Nonsense variant predicted to result in protein truncation or nonsense mediated decay in a gene for which loss of function is a known mechanism of disease; This variant is associated with the following publications: (PMID: 30885219)

Literature cited by the submitters: PubMed 40919303 (cited by Ambry Genetics); PubMed 17994020 (cited by Labcorp Genetics (formerly Invitae), Labcorp); PubMed 19820022 (cited by Labcorp Genetics (formerly Invitae), Labcorp); PubMed 22239554 (cited by Labcorp Genetics (formerly Invitae), Labcorp); PubMed 30885219 (cited by Labcorp Genetics (formerly Invitae), Labcorp).